The following is an entry in ClinVar:

ClinVar aggregate classification (germline): Uncertain significance (1 of 4 stars; one submission).

Conditions:
CFH-related disorder. Also called: CFH-related condition; CFH-related disorders.

Submission:

PreventionGenetics, part of Exact Sciences
Classification: Uncertain significance for CFH-related condition. Last evaluated: 2025-04-23. Review status: criteria provided, single submitter. Criteria: ACMG Guidelines, 2015. Collection method: clinical testing. Allele origin: germline.
Comment: The CFH c.1080T>A variant is predicted to result in the amino acid substitution p.His360Gln. To our knowledge, this variant has not been reported in the literature or in a large population database (gnomAD), indicating this variant is rare. At this time, the clinical significance of this variant is uncertain due to the absence of conclusive functional and genetic evidence.

NM_000186.4(CFH):c.1080T>A (p.His360Gln)

Gene: CFH (complement factor H; plus strand). Cytogenetic location: 1q31.3.
Variant type: single nucleotide variant.
Coding change: c.1080T>A on transcript NM_000186.4 (MANE Select); coding-DNA position 1080, T replaced by A.
Protein change: p.His360Gln; replaces histidine 360 with glutamine.
Molecular consequence: missense variant.
Genome position (GRCh38, 1-based): chr1:196,689,535, T>A. VCF-style: chr1-196689535-T-A. GRCh37 (hg19) VCF-style: chr1-196658665-T-A.
Other names: c.1080T>A, p.His360Gln (NM_001014975.3); short protein forms H360Q.
Identifiers: ClinVar variation 4999644 (VCV004999644.1).